The following is an entry in ClinVar:

ClinVar aggregate classification (germline): Uncertain significance (1 of 4 stars; one submission).

Conditions:
Spastic paraplegia. Identifiers: MedGen C0037772, HP:0001258.

gnomAD v4.1: 3 of 1,613,628 alleles (0.00019%); highest among the groups gnomAD compares: Non-Finnish European, 0.00017%; no homozygotes.

Submission:

Labcorp Genetics (formerly Invitae), Labcorp
Classification: Uncertain significance for Spastic paraplegia. Last evaluated: 2024-02-24. Review status: criteria provided, single submitter. Criteria: Invitae Variant Classification Sherloc (09022015). Collection method: clinical testing. Allele origin: germline.
Comment: This sequence change replaces arginine, which is basic and polar, with serine, which is neutral and polar, at codon 324 of the CYP7B1 protein (p.Arg324Ser). This variant is present in population databases (no rsID available, gnomAD 0.0009%). This variant has not been reported in the literature in individuals affected with CYP7B1-related conditions. ClinVar contains an entry for this variant (Variation ID: 1481726). Advanced modeling of protein sequence and biophysical properties (such as structural, functional, and spatial information, amino acid conservation, physicochemical variation, residue mobility, and thermodynamic stability) performed at Invitae indicates that this missense variant is not expected to disrupt CYP7B1 protein function with a negative predictive value of 80%. In summary, the available evidence is currently insufficient to determine the role of this variant in disease. Therefore, it has been classified as a Variant of Uncertain Significance.

NM_004820.5(CYP7B1):c.970C>A (p.Arg324Ser)

Gene: CYP7B1 (cytochrome P450 family 7 subfamily B member 1; minus strand). Cytogenetic location: 8q12.3.
Variant type: single nucleotide variant.
Coding change: c.970C>A on transcript NM_004820.5 (MANE Select); coding-DNA position 970, C replaced by A.
Protein change: p.Arg324Ser; replaces arginine 324 with serine.
Molecular consequence: missense variant.
Genome position (GRCh38, 1-based): chr8:64,615,113, G>T on the plus strand (C>A on the coding strand, the complement: CYP7B1 is on the minus strand). VCF-style: chr8-64615113-G-T. GRCh37 (hg19) VCF-style: chr8-65527670-G-T.
Other names: c.970C>A, p.Arg324Ser (NM_001324112.2); short protein forms R324S.
Identifiers: ClinVar variation 1481726 (VCV001481726.7), dbSNP rs773055558, ClinGen allele CA371334561.